The following is an entry in ClinVar:

ClinVar aggregate classification (germline): Uncertain significance (1 of 4 stars; one submission).

Conditions:
SCRIB-related disorder. Also called: SCRIB-related condition.

Allele frequency attached by ClinVar (database versions not stated): TOPMed 0.00001; ExAC 0.00003; gnomAD 0.00003.
gnomAD v4.1: 20 of 1,612,180 alleles (0.0012%); highest among the groups gnomAD compares: African/African-American, 0.004%; no homozygotes.

Submission:

PreventionGenetics, part of Exact Sciences
Classification: Uncertain significance for SCRIB-related condition. Last evaluated: 2023-02-15. Review status: criteria provided, single submitter. Criteria: ACMG Guidelines, 2015. Collection method: clinical testing. Allele origin: germline.
Comment: The SCRIB c.692G>A variant is predicted to result in the amino acid substitution p.Arg231Gln. To our knowledge, this variant has not been reported in the literature. This variant is reported in 0.0065% of alleles in individuals of South Asian descent in gnomAD. At this time, the clinical significance of this variant is uncertain due to the absence of conclusive functional and genetic evidence.

NM_182706.5(SCRIB):c.692G>A (p.Arg231Gln)

Gene: SCRIB (scribble planar cell polarity protein; minus strand). Cytogenetic location: 8q24.3.
Variant type: single nucleotide variant.
Coding change: c.692G>A on transcript NM_182706.5 (MANE Select); coding-DNA position 692, G replaced by A.
Protein change: p.Arg231Gln; replaces arginine 231 with glutamine.
Molecular consequence: missense variant.
Genome position (GRCh38, 1-based): chr8:143,812,912, C>T on the plus strand (G>A on the coding strand, the complement: SCRIB is on the minus strand). VCF-style: chr8-143812912-C-T. GRCh37 (hg19) VCF-style: chr8-144895082-C-T.
Other names: c.692G>A, p.Arg231Gln (NM_015356.5); short protein forms R231Q.
Identifiers: ClinVar variation 2628549 (VCV002628549.1), dbSNP rs773718652, ClinGen allele CA187612668.
Genomic context (GRCh38, chr8:143,812,912, plus strand): 5'-GACAGCAGCAGGTCAGTGAGCAGCACCAGCCCGCCGAGCTCAGCAGGCAGCTCCTCCAGC[C>T]GGTTTTCCGACACGTCCAGGCACACCAGGCGCCGCAGGTTCCCGAGCTCCTGCAGGTGGG-3'
Protein context (NP_874365.3, residues 221-241): RLVCLDVSEN[Arg231Gln]LEELPAELGG